The following is an entry in ClinVar:

NM_001242957.3(MAK):c.1317G>C (p.Arg439=)

Gene: MAK (male germ cell associated kinase; minus strand). Cytogenetic location: 6p24.2.
Variant type: single nucleotide variant.
Coding change: c.1317G>C on transcript NM_001242957.3 (MANE Select); coding-DNA position 1317, G replaced by C.
Protein change: p.Arg439=; no amino-acid change (arginine 439 retained).
Molecular consequence: synonymous variant. On other transcripts: non-coding transcript variant (2).
Genome position (GRCh38, 1-based): chr6:10,784,572, C>G on the plus strand (G>C on the coding strand, the complement: MAK is on the minus strand). VCF-style: chr6-10784572-C-G. GRCh37 (hg19) VCF-style: chr6-10784805-C-G.
Other names: c.1317G>C, p.Arg439= (NM_001242385.2, NM_005906.6); c.1215G>C, p.Arg405= (NM_001377262.1).
Identifiers: ClinVar variation 1011491 (VCV001011491.4), dbSNP rs762462087, ClinGen allele CA3633462.

ClinVar aggregate classification (germline): Uncertain significance (1 of 4 stars; one submission).

Allele frequency attached by ClinVar (database versions not stated): ExAC 0.00001; gnomAD 0.00001; gnomAD exomes 0.00001; TOPMed 0.00002.
gnomAD v4.1: 4 of 1,613,722 alleles (0.00025%); highest among the groups gnomAD compares: Admixed American, 0.0067%; no homozygotes.

Submission:

Labcorp Genetics (formerly Invitae), Labcorp
Classification: Uncertain significance. Last evaluated: 2020-10-25. Review status: criteria provided, single submitter. Criteria: Invitae Variant Classification Sherloc (09022015). Collection method: clinical testing. Allele origin: germline.
Comment: This sequence change affects codon 439 of the MAK mRNA. It is a 'silent' change, meaning that it does not change the encoded amino acid sequence of the MAK protein. This variant is present in population databases (rs762462087, ExAC 0.009%). This variant has not been reported in the literature in individuals with MAK-related conditions. Experimental studies and prediction algorithms are not available or were not evaluated, and the functional significance of this variant is currently unknown. In summary, the available evidence is currently insufficient to determine the role of this variant in disease. Therefore, it has been classified as a Variant of Uncertain Significance.